The following is an entry in ClinVar:

ClinVar aggregate classification (germline): Uncertain significance (1 of 4 stars; one submission).

Conditions:
Hereditary cancer-predisposing syndrome. Also called: Neoplastic Syndromes, Hereditary; Tumor predisposition; Hereditary Cancer Syndrome; Hereditary neoplastic syndrome. Identifiers: Orphanet 140162, MedGen C0027672, MeSH D009386, MONDO:0015356.

Submission:

Ambry Genetics
Classification: Uncertain significance for Hereditary cancer-predisposing syndrome. Last evaluated: 2025-08-25. Review status: criteria provided, single submitter. Criteria: Ambry Variant Classification Scheme 2023. Collection method: clinical testing. Allele origin: germline.
Comment: The p.R1240S variant (also known as c.3718C>A), located in coding exon 30 of the TSC2 gene, results from a C to A substitution at nucleotide position 3718. The arginine at codon 1240 is replaced by serine, an amino acid with dissimilar properties. This amino acid position is conserved. In addition, this alteration is predicted to be deleterious by in silico analysis. Based on the available evidence, the clinical significance of this variant remains unclear.

NM_000548.5(TSC2):c.3718C>A (p.Arg1240Ser)

Gene: TSC2 (TSC complex subunit 2; plus strand). Cytogenetic location: 16p13.3.
Variant type: single nucleotide variant.
Coding change: c.3718C>A on transcript NM_000548.5 (MANE Select); coding-DNA position 3718, C replaced by A.
Protein change: p.Arg1240Ser; replaces arginine 1240 with serine.
Molecular consequence: missense variant. On other transcripts: non-coding transcript variant (5).
Genome position (GRCh38, 1-based): chr16:2,081,702, C>A. VCF-style: chr16-2081702-C-A. GRCh37 (hg19) VCF-style: chr16-2131703-C-A.
Other names: c.3118C>A, p.Arg1040Ser (NM_001406682.1, NM_001406683.1, NM_001406680.1); c.3115C>A, p.Arg1039Ser (NM_001406684.1); c.2989C>A, p.Arg997Ser (NM_001406685.1, NM_001406686.1); c.2986C>A, p.Arg996Ser (NM_001406687.1, NM_001406688.1, NM_001318831.2); c.2374C>A, p.Arg792Ser (NM_001406689.1); c.2245C>A, p.Arg749Ser (NM_001406690.1, NM_001406692.1, NM_001406693.1 and 1 more transcripts); c.2242C>A, p.Arg748Ser (NM_001406691.1, NM_001406695.1, NM_001406696.1 and 1 more transcripts); c.1984C>A, p.Arg662Ser (NM_001406698.1); and 18 more; short protein forms R1043S, R1159S, R1177S, R1196S, R1203S, R1240S, R748S, R997S.
Identifiers: ClinVar variation 4192189 (VCV004192189.1).
Genomic context (GRCh38, chr16:2,081,702, plus strand): 5'-TCCTCGGACATCAACAACATGCCCCTGCAGGAGCTGTCTAACGCCCTCATGGCGGCTGAG[C>A]GCTTCAAGGAGCACCGGGACACAGCCCTGTACAAGTCACTGTCGGTGCCGGCAGCCAGCA-3'
Protein context (NP_000539.2, residues 1230-1250): ELSNALMAAE[Arg1240Ser]FKEHRDTALY